The following is an entry in ClinVar:

NM_020366.4(RPGRIP1):c.2963A>G (p.His988Arg)

Gene: RPGRIP1 (RPGR interacting protein 1; plus strand). Cytogenetic location: 14q11.2.
Variant type: single nucleotide variant.
Coding change: c.2963A>G on transcript NM_020366.4 (MANE Select); coding-DNA position 2963, A replaced by G.
Protein change: p.His988Arg; replaces histidine 988 with arginine.
Molecular consequence: missense variant.
Genome position (GRCh38, 1-based): chr14:21,328,491, A>G. VCF-style: chr14-21328491-A-G. GRCh37 (hg19) VCF-style: chr14-21796650-A-G.
Other names: c.941A>G, p.His314Arg (NM_001377523.1, NM_001377950.1); c.1889A>G, p.His630Arg (NM_001377948.1); c.1049A>G, p.His350Arg (NM_001377949.1); c.443A>G, p.His148Arg (NM_001377951.1); short protein forms H148R, H630R, H314R, H350R, H988R.
Identifiers: ClinVar variation 2049368 (VCV002049368.5), dbSNP rs201597595, ClinGen allele CA7089385.

ClinVar aggregate classification (germline): Uncertain significance. Review status: criteria provided, multiple submitters, no conflicts (2 of 4 stars). 2 submissions from 2 submitters: Uncertain significance (2). Last evaluated 2024-04-01.

Conditions:
Leber congenital amaurosis 6 (LCA6). Identifiers: Orphanet 65, MedGen C1854260, MONDO:0013446, OMIM 613826.
Cone-rod dystrophy 13 (CORD13). Identifiers: Orphanet 1872, MedGen C2750720, MONDO:0011987, OMIM 608194.

Allele frequency attached by ClinVar (database versions not stated): gnomAD 0.00001; TOPMed 0.00002; gnomAD exomes 0.00003; ExAC 0.00009.
gnomAD v4.1: 55 of 1,613,712 alleles (0.0034%); highest among the groups gnomAD compares: South Asian, 0.0066%; no homozygotes.

Submissions (2):

Labcorp Genetics (formerly Invitae), Labcorp
Classification: Uncertain significance for Leber congenital amaurosis 6; Cone-rod dystrophy 13. Last evaluated: 2024-04-01. Review status: criteria provided, single submitter. Criteria: Invitae Variant Classification Sherloc (09022015). Collection method: clinical testing. Allele origin: germline.
Comment: This sequence change replaces histidine, which is basic and polar, with arginine, which is basic and polar, at codon 988 of the RPGRIP1 protein (p.His988Arg). This variant is present in population databases (rs201597595, gnomAD 0.007%). This variant has not been reported in the literature in individuals affected with RPGRIP1-related conditions. ClinVar contains an entry for this variant (Variation ID: 2049368). Advanced modeling of protein sequence and biophysical properties (such as structural, functional, and spatial information, amino acid conservation, physicochemical variation, residue mobility, and thermodynamic stability) performed at Invitae indicates that this missense variant is not expected to disrupt RPGRIP1 protein function with a negative predictive value of 80%. In summary, the available evidence is currently insufficient to determine the role of this variant in disease. Therefore, it has been classified as a Variant of Uncertain Significance.

Blueprint Genetics
Classification: Uncertain significance. Last evaluated: 2023-09-14. Review status: criteria provided, single submitter. Criteria: ACMG Guidelines, 2015. Collection method: clinical testing. Allele origin: germline.